The following is an entry in ClinVar:

ClinVar aggregate classification (germline): Conflicting classifications of pathogenicity. Review status: criteria provided, conflicting classifications (1 of 4 stars). 2 submissions from 2 submitters: Uncertain significance (1); Likely benign (1). Last evaluated 2025-04-16.

Conditions:
Mowat-Wilson syndrome (MOWS). Also called: Classic Mowat-Wilson Syndrome. Identifiers: Orphanet 2152, MedGen C1856113, MONDO:0009341, OMIM 235730.

Allele frequency attached by ClinVar (database versions not stated): TOPMed 0.00002.
gnomAD v4.1: 10 of 1,614,046 alleles (0.00062%); highest among the groups gnomAD compares: African/African-American, 0.0027%; no homozygotes.

Submissions (2):

Women's Health and Genetics/Laboratory Corporation of America, LabCorp
Classification: Uncertain significance. Last evaluated: 2025-04-16. Review status: criteria provided, single submitter. Criteria: LabCorp Variant Classification Summary - May 2015. Collection method: clinical testing. Allele origin: germline.
Comment: Variant summary: ZEB2 c.1386G>C (p.Lys462Asn) results in a non-conservative amino acid change in the encoded protein sequence. Three of five in-silico tools predict a damaging effect of the variant on protein function. The variant allele was found at a frequency of 1.2e-05 in 251188 control chromosomes. The available data on variant occurrences in the general population are insufficient to allow any conclusion about variant significance. To our knowledge, no occurrence of c.1386G>C in individuals affected with Mowat-Wilson Syndrome and no experimental evidence demonstrating its impact on protein function have been reported. ClinVar contains an entry for this variant (Variation ID: 413311). Based on the evidence outlined above, the variant was classified as uncertain significance.

Labcorp Genetics (formerly Invitae), Labcorp
Classification: Likely benign for Mowat-Wilson syndrome. Last evaluated: 2024-08-24. Review status: criteria provided, single submitter. Criteria: Invitae Variant Classification Sherloc (09022015). Collection method: clinical testing. Allele origin: germline.

NM_014795.4(ZEB2):c.1386G>C (p.Lys462Asn)

Gene: ZEB2 (zinc finger E-box binding homeobox 2; minus strand). Cytogenetic location: 2q22.3.
Variant type: single nucleotide variant.
Coding change: c.1386G>C on transcript NM_014795.4 (MANE Select); coding-DNA position 1386, G replaced by C.
Protein change: p.Lys462Asn; replaces lysine 462 with asparagine.
Molecular consequence: missense variant.
Genome position (GRCh38, 1-based): chr2:144,399,801, C>G on the plus strand (G>C on the coding strand, the complement: ZEB2 is on the minus strand). VCF-style: chr2-144399801-C-G. GRCh37 (hg19) VCF-style: chr2-145157368-C-G.
Other names: c.1314G>C, p.Lys438Asn (NM_001171653.2); short protein forms K462N, K438N.
Identifiers: ClinVar variation 413311 (VCV000413311.12), dbSNP rs780523431, ClinGen allele CA16610134.